The following is an entry in ClinVar:

ClinVar aggregate classification (germline): Uncertain significance (1 of 4 stars; one submission).

Conditions:
Tietz syndrome (TADS). Also called: HYPOPIGMENTATION/DEAFNESS OF TIETZ; TIETZ ALBINISM-DEAFNESS SYNDROME; ALBINISM-DEAFNESS OF TIETZ. Identifiers: Orphanet 42665, MedGen C0391816, MONDO:0007077, OMIM 103500.
Waardenburg syndrome type 2A (WS2A). Also called: WAARDENBURG SYNDROME WITHOUT DYSTOPIA CANTHORUM. Identifiers: Orphanet 3440, MedGen C1860339, MONDO:0008671, OMIM 193510.
Melanoma, cutaneous malignant, susceptibility to, 8. Also called: MELANOMA AND RENAL CELL CARCINOMA, SUSCEPTIBILITY TO; Cutaneous malignant melanoma 8. Identifiers: Orphanet 293822, MedGen C3152204, MONDO:0013759, OMIM 614456.

gnomAD v4.1: 1 of 1,613,700 alleles (0.000062%); highest among the groups gnomAD compares: Non-Finnish European, 0.000085%; no homozygotes.

Submission:

Labcorp Genetics (formerly Invitae), Labcorp
Classification: Uncertain significance for Melanoma, cutaneous malignant, susceptibility to, 8; Waardenburg syndrome type 2A; Tietz syndrome. Last evaluated: 2024-04-17. Review status: criteria provided, single submitter. Criteria: Invitae Variant Classification Sherloc (09022015). Collection method: clinical testing. Allele origin: germline.
Comment: This sequence change replaces serine, which is neutral and polar, with arginine, which is basic and polar, at codon 404 of the MITF protein (p.Ser404Arg). This variant is not present in population databases (gnomAD no frequency). This variant has not been reported in the literature in individuals affected with MITF-related conditions. Advanced modeling of protein sequence and biophysical properties (such as structural, functional, and spatial information, amino acid conservation, physicochemical variation, residue mobility, and thermodynamic stability) performed at Invitae indicates that this missense variant is expected to disrupt MITF protein function with a positive predictive value of 80%. In summary, the available evidence is currently insufficient to determine the role of this variant in disease. Therefore, it has been classified as a Variant of Uncertain Significance.

NM_001354604.2(MITF):c.1533C>G (p.Ser511Arg)

Gene: MITF (melanocyte inducing transcription factor; plus strand). Cytogenetic location: 3p13.
Variant type: single nucleotide variant.
Coding change: c.1533C>G on transcript NM_001354604.2 (MANE Select); coding-DNA position 1533, C replaced by G.
Protein change: p.Ser511Arg; replaces serine 511 with arginine.
Molecular consequence: missense variant.
Genome position (GRCh38, 1-based): chr3:69,965,200, C>G. VCF-style: chr3-69965200-C-G. GRCh37 (hg19) VCF-style: chr3-70014351-C-G.
Other names: c.1212C>G, p.Ser404Arg (NM_000248.4); c.1359C>G, p.Ser453Arg (NM_001184967.2, NM_001354608.2); c.1530C>G, p.Ser510Arg (NM_001354605.2); c.1512C>G, p.Ser504Arg (NM_001354606.2, NM_006722.3); c.1464C>G, p.Ser488Arg (NM_001354607.2); c.1194C>G, p.Ser398Arg (NM_198158.3); c.1515C>G, p.Ser505Arg (NM_198159.3); c.1467C>G, p.Ser489Arg (NM_198177.3); and 1 more; short protein forms S342R, S398R, S404R, S453R, S488R, S489R, S504R, S505R.
Identifiers: ClinVar variation 3755836 (VCV003755836.2).